The following is an entry in ClinVar:

ClinVar aggregate classification (germline): Uncertain significance (1 of 4 stars; one submission).

Conditions:
Gastrointestinal stromal tumor. Also called: Gastrointestinal stromal tumor, somatic; Gastrointestinal stroma tumor. Identifiers: Orphanet 44890, MedGen C0238198, MeSH D046152, MONDO:0011719, OMIM 606764, HP:0100723.

Submission:

Labcorp Genetics (formerly Invitae), Labcorp
Classification: Uncertain significance for Gastrointestinal stromal tumor. Last evaluated: 2023-11-02. Review status: criteria provided, single submitter. Criteria: Invitae Variant Classification Sherloc (09022015). Collection method: clinical testing. Allele origin: germline.
Comment: This sequence change replaces aspartic acid, which is acidic and polar, with asparagine, which is neutral and polar, at codon 140 of the KIT protein (p.Asp140Asn). This variant is not present in population databases (gnomAD no frequency). This variant has not been reported in the literature in individuals affected with KIT-related conditions. Algorithms developed to predict the effect of missense changes on protein structure and function output the following: SIFT: "Not Available"; PolyPhen-2: "Benign"; Align-GVGD: "Not Available". The asparagine amino acid residue is found in multiple mammalian species, which suggests that this missense change does not adversely affect protein function. In summary, the available evidence is currently insufficient to determine the role of this variant in disease. Therefore, it has been classified as a Variant of Uncertain Significance.

NM_000222.3(KIT):c.418G>A (p.Asp140Asn)

Gene: KIT (KIT proto-oncogene, receptor tyrosine kinase; plus strand). Cytogenetic location: 4q12.
Variant type: single nucleotide variant.
Coding change: c.418G>A on transcript NM_000222.3 (MANE Select); coding-DNA position 418, G replaced by A.
Protein change: p.Asp140Asn; replaces aspartic acid 140 with asparagine.
Molecular consequence: missense variant.
Genome position (GRCh38, 1-based): chr4:54,698,364, G>A. VCF-style: chr4-54698364-G-A. GRCh37 (hg19) VCF-style: chr4-55564530-G-A.
Other names: c.418G>A, p.Asp140Asn (NM_001385292.1, NM_001093772.2, NM_001385284.1 and 4 more transcripts); short protein forms D140N.
Identifiers: ClinVar variation 2692871 (VCV002692871.3), dbSNP rs2109672574, ClinGen allele CA356897541.